The following is an entry in ClinVar:

NM_000193.4(SHH):c.424G>A (p.Glu142Lys)

Gene: SHH (sonic hedgehog signaling molecule; minus strand). Cytogenetic location: 7q36.3.
Variant type: single nucleotide variant.
Coding change: c.424G>A on transcript NM_000193.4 (MANE Select); coding-DNA position 424, G replaced by A.
Protein change: p.Glu142Lys; replaces glutamic acid 142 with lysine.
Molecular consequence: missense variant. On other transcripts: non-coding transcript variant (2).
Genome position (GRCh38, 1-based): chr7:155,806,434, C>T on the plus strand (G>A on the coding strand, the complement: SHH is on the minus strand). VCF-style: chr7-155806434-C-T. GRCh37 (hg19) VCF-style: chr7-155599128-C-T.
Other names: c.163G>A, p.Glu55Lys (NM_001310462.2); short protein forms E55K, E142K.
Identifiers: ClinVar variation 2099748 (VCV002099748.6), dbSNP rs2535901228, ClinGen allele CA370148661.
Genomic context (GRCh38, chr7:155,806,434, plus strand): 5'-CCAGCATGCCGTACTTGCTGCGGTCGCGGTCAGACGTGGTGATGTCCACTGCGCGGCCCT[C>T]GTAGTGCAGAGACTCCTCTGAGTGGTGGCCATCTTCGTCCCAGCCCTCGGTCACCCGCAG-3'
Protein context (NP_000184.1, residues 132-152): GHHSEESLHY[Glu142Lys]GRAVDITTSD

ClinVar aggregate classification (germline): Conflicting classifications of pathogenicity. Review status: criteria provided, conflicting classifications (1 of 4 stars). 2 submissions from 2 submitters: Likely pathogenic (1); Uncertain significance (1). Last evaluated 2024-02-28.

Conditions:
Holoprosencephaly 3 (HPE3). Identifiers: Orphanet 2162, MedGen C1840529, MONDO:0007733, OMIM 142945.

Submissions (2):

Human Genetics Section, Sidra Medicine
Classification: Likely pathogenic for Holoprosencephaly 3. Last evaluated: 2024-02-28. Review status: criteria provided, single submitter. Criteria: ACMG Guidelines, 2015. Collection method: research. Allele origin: de novo. Affected: yes. Observed: 1 variant allele.
Comment: Variant is predicted to result in a missense amino acid change from glutamine to lysine. ClinVar contains an entry for this variant (Variation ID: 2099748). This variant was determined to be likely pathogenic according to ACMG Guidelines

Labcorp Genetics (formerly Invitae), Labcorp
Classification: Uncertain significance for Holoprosencephaly 3. Last evaluated: 2022-02-19. Review status: criteria provided, single submitter. Criteria: Invitae Variant Classification Sherloc (09022015). Collection method: clinical testing. Allele origin: germline.
Comment: In summary, the available evidence is currently insufficient to determine the role of this variant in disease. Therefore, it has been classified as a Variant of Uncertain Significance. Algorithms developed to predict the effect of missense changes on protein structure and function (SIFT, PolyPhen-2, Align-GVGD) all suggest that this variant is likely to be disruptive. This variant has not been reported in the literature in individuals affected with SHH-related conditions. This variant is not present in population databases (gnomAD no frequency). This sequence change replaces glutamic acid, which is acidic and polar, with lysine, which is basic and polar, at codon 142 of the SHH protein (p.Glu142Lys).